The following is an entry in ClinVar:

NM_020320.5(RARS2):c.582G>T (p.Leu194=)

Gene: RARS2 (arginyl-tRNA synthetase 2, mitochondrial; minus strand). Cytogenetic location: 6q15.
Variant type: single nucleotide variant.
Coding change: c.582G>T on transcript NM_020320.5 (MANE Select); coding-DNA position 582, G replaced by T.
Protein change: p.Leu194=; no amino-acid change (leucine 194 retained).
Molecular consequence: synonymous variant. On other transcripts: non-coding transcript variant (18).
Genome position (GRCh38, 1-based): chr6:87,541,948, C>A on the plus strand (G>T on the coding strand, the complement: RARS2 is on the minus strand). VCF-style: chr6-87541948-C-A. GRCh37 (hg19) VCF-style: chr6-88251666-C-A.
Other names: c.57G>T, p.Leu19= (NM_001318785.2, NM_001350506.2, NM_001350507.2 and 4 more transcripts); c.582G>T, p.Leu194= (NM_001350505.2).
Identifiers: ClinVar variation 774543 (VCV000774543.15), dbSNP rs199697348, ClinGen allele CA3916589.

ClinVar aggregate classification (germline): Likely benign. Review status: criteria provided, multiple submitters, no conflicts (2 of 4 stars). 2 submissions from 2 submitters: Likely benign (2). Last evaluated 2026-02-01.

Allele frequency attached by ClinVar (database versions not stated): gnomAD exomes below 0.00001 and 0.00001; TOPMed below 0.00001; ExAC 0.00001; gnomAD 0.00001; 1000 Genomes Project 30x 0.00016; 1000 Genomes Project 0.00020.
gnomAD v4.1: 4 of 1,613,660 alleles (0.00025%); highest among the groups gnomAD compares: Admixed American, 0.0017%; no homozygotes.

Submissions (2):

CeGaT Center for Human Genetics Tuebingen
Classification: Likely benign. Last evaluated: 2026-02-01. Review status: criteria provided, single submitter. Criteria: CeGaT Center For Human Genetics Tuebingen Variant Classification Criteria Version 2. Collection method: clinical testing. Allele origin: germline. Affected: yes. Observed: 1 variant allele.
Comment: RARS2: BP4, BP7

Labcorp Genetics (formerly Invitae), Labcorp
Classification: Likely benign. Last evaluated: 2023-09-03. Review status: criteria provided, single submitter. Criteria: Invitae Variant Classification Sherloc (09022015). Collection method: clinical testing. Allele origin: germline.